The following is an entry in ClinVar:

ClinVar aggregate classification (germline): Uncertain significance (1 of 4 stars; one submission).

Conditions:
Spondyloepiphyseal dysplasia with congenital joint dislocations (SEDCJD). Also called: Chondrodysplasia with Congenital Joint Dislocations, CHST3-Related. Identifiers: Orphanet 263463, MedGen C1837657, MONDO:0007738, OMIM 143095.

gnomAD v4.1: 1 of 1,601,596 alleles (0.000062%); highest among the groups gnomAD compares: South Asian, 0.0011%; no homozygotes.

Submission:

Labcorp Genetics (formerly Invitae), Labcorp
Classification: Uncertain significance for Spondyloepiphyseal dysplasia with congenital joint dislocations. Last evaluated: 2021-08-14. Review status: criteria provided, single submitter. Criteria: Invitae Variant Classification Sherloc (09022015). Collection method: clinical testing. Allele origin: germline.
Comment: In summary, the available evidence is currently insufficient to determine the role of this variant in disease. Therefore, it has been classified as a Variant of Uncertain Significance. Algorithms developed to predict the effect of sequence changes on RNA splicing suggest that this variant may create or strengthen a splice site. Algorithms developed to predict the effect of missense changes on protein structure and function are either unavailable or do not agree on the potential impact of this missense change (SIFT: "Deleterious"; PolyPhen-2: "Probably Damaging"; Align-GVGD: "Class C0"). This sequence change replaces threonine with arginine at codon 258 of the CHST3 protein (p.Thr258Arg). The threonine residue is highly conserved and there is a moderate physicochemical difference between threonine and arginine. This variant is not present in population databases (ExAC no frequency). This variant has not been reported in the literature in individuals affected with CHST3-related conditions.

NM_004273.5(CHST3):c.773C>G (p.Thr258Arg)

Gene: CHST3 (carbohydrate sulfotransferase 3; plus strand). Cytogenetic location: 10q22.1.
Variant type: single nucleotide variant.
Coding change: c.773C>G on transcript NM_004273.5 (MANE Select); coding-DNA position 773, C replaced by G.
Protein change: p.Thr258Arg; replaces threonine 258 with arginine.
Molecular consequence: missense variant.
Genome position (GRCh38, 1-based): chr10:72,007,804, C>G. VCF-style: chr10-72007804-C-G. GRCh37 (hg19) VCF-style: chr10-73767562-C-G.
Other names: short protein forms T258R.
Identifiers: ClinVar variation 1515075 (VCV001515075.6), dbSNP rs1840059581, ClinGen allele CA377146633.